The following is an entry in ClinVar:

NM_001148.6(ANK2):c.9698T>C (p.Ile3233Thr)

Gene: ANK2 (ankyrin 2; plus strand). Cytogenetic location: 4q26.
Variant type: single nucleotide variant.
Coding change: c.9698T>C on transcript NM_001148.6 (MANE Select); coding-DNA position 9698, T replaced by C.
Protein change: p.Ile3233Thr; replaces isoleucine 3233 with threonine.
Molecular consequence: missense variant. On other transcripts: intron variant (68).
Genome position (GRCh38, 1-based): chr4:113,358,316, T>C. VCF-style: chr4-113358316-T-C. GRCh37 (hg19) VCF-style: chr4-114279472-T-C.
Other names: c.9464T>C, p.Ile3155Thr (NM_001386142.1); c.6098T>C, p.Ile2033Thr (NM_001386166.1); c.9839T>C, p.Ile3280Thr (NM_001386174.1); c.9815T>C, p.Ile3272Thr (NM_001386175.1); c.4412-2507T>C (NM_001386186.2, NM_001386148.2); c.4214-2507T>C (NM_001354269.3); c.4292-2507T>C (NM_001386187.2); c.4253-2507T>C (NM_001386147.1); and 35 more; short protein forms I2033T, I3155T, I3233T, I3272T, I3280T.
Identifiers: ClinVar variation 3359812 (VCV003359812.1).

ClinVar aggregate classification (germline): Uncertain significance (1 of 4 stars; one submission).

Submission:

GeneDx
Classification: Uncertain significance. Last evaluated: 2023-06-13. Review status: criteria provided, single submitter. Criteria: GeneDx Variant Classification Process June 2021. Collection method: clinical testing. Allele origin: germline. Affected: yes.
Comment: Not observed at significant frequency in large population cohorts (gnomAD); In silico analysis supports that this missense variant does not alter protein structure/function; Located in exon 38, which is reported as being expressed in a brain-specific transcript (Otto et al, 1991; Cunha et al, 2008; Wu et al, 2015); Has not been previously published as pathogenic or benign to our knowledge; This variant is associated with the following publications: (PMID: 1830053, 18790697, 26109584)